The following is an entry in ClinVar:

NM_001204.7(BMPR2):c.1735A>C (p.Ile579Leu)

Gene: BMPR2 (bone morphogenetic protein receptor type 2; plus strand). Cytogenetic location: 2q33.2.
Variant type: single nucleotide variant.
Coding change: c.1735A>C on transcript NM_001204.7 (MANE Select); coding-DNA position 1735, A replaced by C.
Protein change: p.Ile579Leu; replaces isoleucine 579 with leucine.
Molecular consequence: missense variant.
Genome position (GRCh38, 1-based): chr2:202,555,400, A>C. VCF-style: chr2-202555400-A-C. GRCh37 (hg19) VCF-style: chr2-203420123-A-C.
Other names: short protein forms I579L.
Identifiers: ClinVar variation 3992162 (VCV003992162.1).

ClinVar aggregate classification (germline): Uncertain significance (1 of 4 stars; one submission).

Conditions:
Inborn genetic diseases. Identifiers: MedGen C0950123, MeSH D030342.

Submission:

Ambry Genetics
Classification: Uncertain significance for Inborn genetic diseases. Last evaluated: 2025-05-11. Review status: criteria provided, single submitter. Criteria: Ambry Variant Classification Scheme 2023. Collection method: clinical testing. Allele origin: germline.
Comment: The p.I579L variant (also known as c.1735A>C), located in coding exon 12 of the BMPR2 gene, results from an A to C substitution at nucleotide position 1735. The isoleucine at codon 579 is replaced by leucine, an amino acid with highly similar properties. This amino acid position is conserved. In addition, this alteration is predicted to be tolerated by in silico analysis. Based on the available evidence, the clinical significance of this variant remains unclear.